The following is an entry in ClinVar:

NM_005157.6(ABL1):c.1155_1156dup (p.Arg386fs)

Gene: ABL1 (ABL proto-oncogene 1, non-receptor tyrosine kinase; plus strand). Cytogenetic location: 9q34.12.
Variant type: Duplication.
Coding change: c.1155_1156dup on transcript NM_005157.6 (MANE Select); coding-DNA positions 1155 to 1156, 2 bases duplicated (CA; older notation c.1155_1156dupCA).
Protein change: p.Arg386fs; shifts the reading frame from arginine 386.
Molecular consequence: frameshift variant.
Genome position (GRCh38, 1-based): chr9:130,874,937-130,874,938, CA duplicated. VCF-style (leftmost placement, unchanged base first): chr9-130874936-G-GCA. GRCh37 (hg19) VCF-style: chr9-133750323-G-GCA.
Other names: c.1212_1213dup, p.Arg405fs (NM_007313.3); short protein forms R386fs, R405fs.
Identifiers: ClinVar variation 4527174 (VCV004527174.1).

ClinVar aggregate classification (germline): Uncertain significance (1 of 4 stars; one submission).

Submission:

GeneDx
Classification: Uncertain significance. Last evaluated: 2025-04-23. Review status: criteria provided, single submitter. Criteria: GeneDx Variant Classification Process June 2021. Collection method: clinical testing. Allele origin: germline. Affected: yes.
Comment: Not observed at significant frequency in large population cohorts (gnomAD); Has not been previously published as pathogenic or benign to our knowledge; Frameshift variant predicted to result in protein truncation or nonsense mediated decay in a gene for which loss-of-function is not [an established] mechanism of disease